The following is an entry in ClinVar:

NM_001165963.4(SCN1A):c.5045del (p.Phe1682fs)

Genes: SCN1A (sodium voltage-gated channel alpha subunit 1; minus strand), LOC102724058 (uncharacterized LOC102724058; plus strand). Cytogenetic location: 2q24.3.
Variant type: Deletion.
Coding change: c.5045del on transcript NM_001165963.4 (MANE Select); coding-DNA position 5045, one base deleted (T; older notation c.5045delT).
Protein change: p.Phe1682fs; shifts the reading frame from phenylalanine 1682.
Molecular consequence: frameshift variant. On other transcripts: non-coding transcript variant (1).
Genome position (GRCh38, 1-based): chr2:165,992,230, A deleted on the plus strand (T on the coding strand, the reverse complement: SCN1A is on the minus strand); the first of 2 consecutive A bases (chr2:165,992,230-165,992,231); deleting either gives the same sequence. VCF-style (leftmost placement, unchanged base first): chr2-165992229-GA-G. GRCh37 (hg19) VCF-style: chr2-166848739-GA-G.
Other names: c.4961del, p.Phe1654fs (NM_001165964.3, NM_001353957.2, NM_001353958.2); c.5045del, p.Phe1682fs (NM_001202435.3, NM_001353948.2); c.5012del, p.Phe1671fs (NM_001353949.2, NM_001353950.2, NM_001353951.2 and 2 more transcripts); c.5009del, p.Phe1670fs (NM_001353954.2, NM_001353955.2); c.4958del, p.Phe1653fs (NM_001353960.2); c.2603del, p.Phe868fs (NM_001353961.2); short protein forms F1671fs, F1654fs, F1670fs, F1653fs, F1682fs, F868fs.
Identifiers: ClinVar variation 1428853 (VCV001428853.9), dbSNP rs2105433161, ClinGen allele CA2573133697.
Genomic context (GRCh38, chr2:165,992,229, plus strand): 5'-ATCGATCCCAACTTCCCTCTTAACATAGGCAAAGTTGGACATCCCAAAGATGGCGTAGAT[GA>G]ACATGACTAGGAAGAGTAGGAGGCCGATGTTAAACAACGCAGGAAGGGACATCATCAAAG-3'

ClinVar aggregate classification (germline): Pathogenic (1 of 4 stars; one submission).

Conditions:
Early-infantile DEE. Also called: Ohtahara syndrome; Early infantile epileptic encephalopathy with suppression bursts; Early infantile epileptic encephalopathy. Identifiers: Orphanet 1934, MedGen C0393706, MONDO:0800491.

Submission:

Labcorp Genetics (formerly Invitae), Labcorp
Classification: Pathogenic for Early-infantile DEE. Last evaluated: 2021-04-06. Review status: criteria provided, single submitter. Criteria: Invitae Variant Classification Sherloc (09022015). Collection method: clinical testing. Allele origin: germline.
Comment: This variant has not been reported in the literature in individuals with SCN1A-related conditions. This variant is not present in population databases (ExAC no frequency). This sequence change creates a premature translational stop signal (p.Phe1682Serfs*33) in the SCN1A gene. While this is not anticipated to result in nonsense mediated decay, it is expected to disrupt the last 328 amino acid(s) of the SCN1A protein. For these reasons, this variant has been classified as Pathogenic. This variant disrupts the C-terminus of the SCN1A protein. Other variant(s) that disrupt this region (p.Arg1924Leufs*8) have been determined to be pathogenic (PMID: 27465585). This suggests that variants that disrupt this region of the protein are likely to be causative of disease.

Literature cited by the submitters: PubMed 27465585.